The following is an entry in ClinVar:

ClinVar aggregate classification (germline): Uncertain significance (1 of 4 stars; one submission).

Conditions:
Immunodeficiency-centromeric instability-facial anomalies syndrome 2 (ICF2). Identifiers: Orphanet 2268, MedGen C3279748, MONDO:0013553, OMIM 614069.

gnomAD v4.1: 5 of 1,614,170 alleles (0.00031%); highest among the groups gnomAD compares: Admixed American, 0.0017%; no homozygotes.

Submission:

Labcorp Genetics (formerly Invitae), Labcorp
Classification: Uncertain significance for Immunodeficiency-centromeric instability-facial anomalies syndrome 2. Last evaluated: 2025-10-20. Review status: criteria provided, single submitter. Criteria: Invitae Variant Classification Sherloc (09022015). Collection method: clinical testing. Allele origin: germline.
Comment: This sequence change replaces histidine, which is basic and polar, with tyrosine, which is neutral and polar, at codon 517 of the ZBTB24 protein (p.His517Tyr). This variant is present in population databases (rs770978881, gnomAD 0.003%). This variant has not been reported in the literature in individuals affected with ZBTB24-related conditions. An algorithm developed to predict the effect of missense changes on protein structure and function (PolyPhen-2) suggests that this variant is likely to be tolerated. In summary, the available evidence is currently insufficient to determine the role of this variant in disease. Therefore, it has been classified as a Variant of Uncertain Significance.

NM_014797.3(ZBTB24):c.1549C>T (p.His517Tyr)

Gene: ZBTB24 (zinc finger and BTB domain containing 24; minus strand). Cytogenetic location: 6q21.
Variant type: single nucleotide variant.
Coding change: c.1549C>T on transcript NM_014797.3 (MANE Select); coding-DNA position 1549, C replaced by T.
Protein change: p.His517Tyr; replaces histidine 517 with tyrosine.
Molecular consequence: missense variant.
Genome position (GRCh38, 1-based): chr6:109,466,396, G>A on the plus strand (C>T on the coding strand, the complement: ZBTB24 is on the minus strand). VCF-style: chr6-109466396-G-A. GRCh37 (hg19) VCF-style: chr6-109787599-G-A.
Other names: short protein forms H517Y.
Identifiers: ClinVar variation 4696674 (VCV004696674.1).